The following is an entry in ClinVar:

NM_001113378.2(FANCI):c.2554C>G (p.Gln852Glu)

Gene: FANCI (FA complementation group I; plus strand). Cytogenetic location: 15q26.1.
Variant type: single nucleotide variant.
Coding change: c.2554C>G on transcript NM_001113378.2 (MANE Select); coding-DNA position 2554, C replaced by G.
Protein change: p.Gln852Glu; replaces glutamine 852 with glutamic acid.
Molecular consequence: missense variant. On other transcripts: intron variant (1).
Genome position (GRCh38, 1-based): chr15:89,295,012, C>G. VCF-style: chr15-89295012-C-G. GRCh37 (hg19) VCF-style: chr15-89838243-C-G.
Other names: c.2275C>G, p.Gln759Glu (NM_001376910.1); c.2554C>G, p.Gln852Glu (NM_001376911.1); c.2456+1015C>G (NM_018193.3); short protein forms Q759E, Q852E.
Identifiers: ClinVar variation 4749398 (VCV004749398.1).

ClinVar aggregate classification (germline): Uncertain significance (1 of 4 stars; one submission).

Conditions:
Fanconi anemia (FA). Also called: Fanconi's anemia. Identifiers: Orphanet 84, MedGen C0015625, MeSH D005199, MONDO:0019391.

Submission:

Labcorp Genetics (formerly Invitae), Labcorp
Classification: Uncertain significance for Fanconi anemia. Last evaluated: 2025-05-07. Review status: criteria provided, single submitter. Criteria: Invitae Variant Classification Sherloc (09022015). Collection method: clinical testing. Allele origin: germline.
Comment: This sequence change replaces glutamine, which is neutral and polar, with glutamic acid, which is acidic and polar, at codon 852 of the FANCI protein (p.Gln852Glu). This variant is not present in population databases (gnomAD no frequency). This variant has not been reported in the literature in individuals affected with FANCI-related conditions. An algorithm developed to predict the effect of missense changes on protein structure and function (PolyPhen-2) suggests that this variant is likely to be disruptive. In summary, the available evidence is currently insufficient to determine the role of this variant in disease. Therefore, it has been classified as a Variant of Uncertain Significance.